The following is an entry in ClinVar:

ClinVar aggregate classification (germline): Benign (1 of 4 stars; one submission).

Allele frequency attached by ClinVar (database versions not stated): gnomAD 0.18660 and 0.18980; TOPMed 0.19745; 1000 Genomes Project 0.22045; 1000 Genomes Project 30x 0.22314.
gnomAD v4.1: 28,135 of 151,844 alleles (19%); highest among the groups gnomAD compares: African/African-American, 36%; 3,625 homozygotes.

Submission:

GeneDx
Classification: Benign. Last evaluated: 2018-06-14. Review status: criteria provided, single submitter. Criteria: GeneDx Variant Classification (06012015). Collection method: clinical testing. Allele origin: germline. Affected: yes.
Comment: This variant is considered likely benign or benign based on one or more of the following criteria: it is a conservative change, it occurs at a poorly conserved position in the protein, it is predicted to be benign by multiple in silico algorithms, and/or has population frequency not consistent with disease.

NM_001851.6(COL9A1):c.1449+245T>C

Gene: COL9A1 (collagen type IX alpha 1 chain; minus strand). Cytogenetic location: 6q13.
Variant type: single nucleotide variant.
Coding change: c.1449+245T>C on transcript NM_001851.6 (MANE Select); 245 bases into the intron after coding-DNA position 1449, T replaced by C.
Molecular consequence: intron variant.
Genome position (GRCh38, 1-based): chr6:70,260,412, A>G on the plus strand (T>C on the coding strand, the complement: COL9A1 is on the minus strand). VCF-style: chr6-70260412-A-G. GRCh37 (hg19) VCF-style: chr6-70970115-A-G.
Other names: c.720+245T>C (NM_001377290.1, NM_078485.4, NM_001377289.1).
Identifiers: ClinVar variation 677929 (VCV000677929.1), dbSNP rs113677659, ClinGen allele CA12239650.